The following is an entry in ClinVar:

ClinVar aggregate classification (germline): Uncertain significance (1 of 4 stars; one submission).

Conditions:
Inborn genetic diseases. Identifiers: MedGen C0950123, MeSH D030342.

gnomAD v4.1: 1 of 1,614,182 alleles (0.000062%); highest among the groups gnomAD compares: Middle Eastern, 0.016%; no homozygotes.

Submission:

Ambry Genetics
Classification: Uncertain significance for Inborn genetic diseases. Last evaluated: 2023-08-11. Review status: criteria provided, single submitter. Criteria: Ambry Variant Classification Scheme 2023. Collection method: clinical testing. Allele origin: germline.
Comment: The p.Q921P variant (also known as c.2762A>C), located in coding exon 21 of the BUB1B gene, results from an A to C substitution at nucleotide position 2762. The glutamine at codon 921 is replaced by proline, an amino acid with similar properties. This amino acid position is conserved. In addition, this alteration is predicted to be tolerated by in silico analysis. Since supporting evidence is limited at this time, the clinical significance of this alteration remains unclear.

NM_001211.6(BUB1B):c.2762A>C (p.Gln921Pro)

Genes: BUB1B (BUB1 mitotic checkpoint serine/threonine kinase B; plus strand), BUB1B-PAK6 (BUB1B-PAK6 readthrough; plus strand). Cytogenetic location: 15q15.1.
Variant type: single nucleotide variant.
Coding change: c.2762A>C on transcript NM_001211.6 (MANE Select); coding-DNA position 2762, A replaced by C.
Protein change: p.Gln921Pro; replaces glutamine 921 with proline.
Molecular consequence: missense variant. On other transcripts: 5 prime UTR variant (2).
Genome position (GRCh38, 1-based): chr15:40,217,579, A>C. VCF-style: chr15-40217579-A-C. GRCh37 (hg19) VCF-style: chr15-40509780-A-C.
Other names: c.-289A>C (NM_001128628.3); c.-206A>C (NM_001128629.3); short protein forms Q921P.
Identifiers: ClinVar variation 2585927 (VCV002585927.2), dbSNP rs141119531, ClinGen allele CA391687886.